The following is an entry in ClinVar:

NM_000152.5(GAA):c.648G>A (p.Glu216=)

Gene: GAA (alpha glucosidase; plus strand). Cytogenetic location: 17q25.3.
Variant type: single nucleotide variant.
Coding change: c.648G>A on transcript NM_000152.5 (MANE Select); coding-DNA position 648, G replaced by A.
Protein change: p.Glu216=; no amino-acid change (glutamic acid 216 retained).
Molecular consequence: synonymous variant.
Genome position (GRCh38, 1-based): chr17:80,105,850, G>A. VCF-style: chr17-80105850-G-A. GRCh37 (hg19) VCF-style: chr17-78079649-G-A.
Other names: c.648G>A, p.Glu216= (NM_001079803.3, NM_001079804.3, NM_001406741.1 and 1 more transcripts).
Identifiers: ClinVar variation 4281333 (VCV004281333.7).
Genomic context (GRCh38, chr17:80,105,850, plus strand): 5'-GACCCCGCATGTCCACAGCCGGGCACCGTCCCCACTCTACAGCGTGGAGTTCTCCGAGGA[G>A]CCCTTCGGGGTGATCGTGCGCCGGCAGCTGGACGGCCGCGTGCTGTGAGTTCTGGGCTCT-3'
Protein context (NP_000143.2, residues 206-226): SPLYSVEFSE[Glu216=]PFGVIVRRQL

ClinVar aggregate classification (germline): Likely benign (1 of 4 stars; one submission).

gnomAD v4.1: 1 of 1,606,580 alleles (0.000062%); highest among the groups gnomAD compares: Non-Finnish European, 0.000085%; no homozygotes.

Submission:

CeGaT Center for Human Genetics Tuebingen
Classification: Likely benign. Last evaluated: 2025-09-01. Review status: criteria provided, single submitter. Criteria: CeGaT Center For Human Genetics Tuebingen Variant Classification Criteria Version 2. Collection method: clinical testing. Allele origin: germline. Affected: yes. Observed: 1 variant allele.
Comment: GAA: BP4, BP7